The following is an entry in ClinVar:

ClinVar aggregate classification (germline): Pathogenic/Likely pathogenic. Review status: criteria provided, multiple submitters, no conflicts (2 of 4 stars). 2 submissions from 2 submitters: Pathogenic (1); Likely pathogenic (1). Last evaluated 2020-10-15.

Conditions:
PRPH2-related disorder. Also called: PRPH2-related condition; PRPH2-related disorders. Identifiers: MedGen CN239395.

Submissions (2):

Blueprint Genetics
Classification: Likely pathogenic for PRPH2-related disorders. Last evaluated: 2020-10-15. Review status: criteria provided, single submitter. Criteria: ACMG Guidelines, 2015. Collection method: clinical testing. Allele origin: germline. Affected: yes. Observed: 1 variant allele.

Labcorp Genetics (formerly Invitae), Labcorp
Classification: Pathogenic for PRPH2-related disorder. Last evaluated: 2020-01-10. Review status: criteria provided, single submitter. Criteria: Invitae Variant Classification Sherloc (09022015). Collection method: clinical testing. Allele origin: germline.
Comment: For these reasons, this variant has been classified as Pathogenic. Loss-of-function variants in PRPH2 are known to be pathogenic (PMID: 8111389, 8485576, 8675410, 16916875, 17504850, 25675413, 26061163, 27365499, 29555955). This variant has not been reported in the literature in individuals with PRPH2-related conditions. This variant is not present in population databases (ExAC no frequency). This sequence change creates a premature translational stop signal (p.Val73Alafs*107) in the PRPH2 gene. It is expected to result in an absent or disrupted protein product.

Literature cited by the submitters: PubMed 8111389 (cited by Labcorp Genetics (formerly Invitae), Labcorp); PubMed 8485576 (cited by Labcorp Genetics (formerly Invitae), Labcorp); PubMed 8675410 (cited by Labcorp Genetics (formerly Invitae), Labcorp); PubMed 16916875 (cited by Labcorp Genetics (formerly Invitae), Labcorp); PubMed 17504850 (cited by Labcorp Genetics (formerly Invitae), Labcorp); PubMed 25675413 (cited by Labcorp Genetics (formerly Invitae), Labcorp); PubMed 26061163 (cited by Labcorp Genetics (formerly Invitae), Labcorp); PubMed 27365499 (cited by Labcorp Genetics (formerly Invitae), Labcorp); PubMed 29555955 (cited by Labcorp Genetics (formerly Invitae), Labcorp).

NM_000322.5(PRPH2):c.208_217dup (p.Val73fs)

Gene: PRPH2 (peripherin 2; minus strand). Cytogenetic location: 6p21.1.
Variant type: Duplication.
Coding change: c.208_217dup on transcript NM_000322.5 (MANE Select); coding-DNA positions 208 to 217, 10 bases duplicated (CTATCCTGTG; older notation c.208_217dupCTATCCTGTG).
Protein change: p.Val73fs; shifts the reading frame from valine 73.
Molecular consequence: frameshift variant.
Genome position (GRCh38, 1-based): chr6:42,722,118-42,722,127, CACAGGATAG duplicated on the plus strand (CTATCCTGTG on the coding strand, the reverse complement: PRPH2 is on the minus strand); duplicating any 10 consecutive bases within chr6:42,722,118-42,722,130 gives the same sequence; the c. name uses the placement nearest the transcript's 3' end. VCF-style (leftmost placement, unchanged base first): chr6-42722117-A-ACACAGGATAG. GRCh37 (hg19) VCF-style: chr6-42689855-A-ACACAGGATAG.
Other names: short protein forms V73fs.
Identifiers: ClinVar variation 1074608 (VCV001074608.8), dbSNP rs2152011046, ClinGen allele CA2499218306.